The following is an entry in ClinVar:

ClinVar aggregate classification (germline): Uncertain significance (1 of 4 stars; one submission).

Submission:

GeneDx
Classification: Uncertain significance. Last evaluated: 2024-01-04. Review status: criteria provided, single submitter. Criteria: GeneDx Variant Classification Process June 2021. Collection method: clinical testing. Allele origin: germline. Affected: yes.
Comment: Not observed at significant frequency in large population cohorts (gnomAD); In silico analysis supports that this missense variant has a deleterious effect on protein structure/function; Has not been previously published as pathogenic or benign to our knowledge

NM_001349798.2(FBXW7):c.803T>C (p.Met268Thr)

Genes: FBXW7 (F-box and WD repeat domain containing 7; minus strand), FBXW7-AS1 (FBXW7 antisense RNA 1; plus strand). Cytogenetic location: 4q31.3.
Variant type: single nucleotide variant.
Coding change: c.803T>C on transcript NM_001349798.2 (MANE Select); coding-DNA position 803, T replaced by C.
Protein change: p.Met268Thr; replaces methionine 268 with threonine.
Molecular consequence: missense variant. On other transcripts: non-coding transcript variant (1).
Genome position (GRCh38, 1-based): chr4:152,337,860, A>G on the plus strand (T>C on the coding strand, the complement: FBXW7 is on the minus strand). VCF-style: chr4-152337860-A-G. GRCh37 (hg19) VCF-style: chr4-153259012-A-G.
Other names: c.449T>C, p.Met150Thr (NM_001013415.2); c.563T>C, p.Met188Thr (NM_018315.5); c.803T>C, p.Met268Thr (NM_033632.3); short protein forms M150T, M188T, M268T.
Identifiers: ClinVar variation 3367628 (VCV003367628.1).